The following is an entry in ClinVar:

NM_017671.5(FERMT1):c.329del (p.Arg110fs)

Gene: FERMT1 (FERM domain containing kindlin 1; minus strand). Cytogenetic location: 20p12.3.
Variant type: Deletion.
Coding change: c.329del on transcript NM_017671.5 (MANE Select); coding-DNA position 329, one base deleted (G; older notation c.329delG).
Protein change: p.Arg110fs; shifts the reading frame from arginine 110.
Molecular consequence: frameshift variant.
Genome position (GRCh38, 1-based): chr20:6,115,867, C deleted on the plus strand (G on the coding strand, the reverse complement: FERMT1 is on the minus strand). VCF-style (leftmost placement, unchanged base first): chr20-6115866-TC-T. GRCh37 (hg19) VCF-style: chr20-6096513-TC-T.
Other names: short protein forms R110fs.
Identifiers: ClinVar variation 2747238 (VCV002747238.3), dbSNP rs2514723164, ClinGen allele CA2697547308.

ClinVar aggregate classification (germline): Pathogenic (1 of 4 stars; one submission).

Submission:

Labcorp Genetics (formerly Invitae), Labcorp
Classification: Pathogenic. Last evaluated: 2023-07-21. Review status: criteria provided, single submitter. Criteria: Invitae Variant Classification Sherloc (09022015). Collection method: clinical testing. Allele origin: germline.
Comment: This variant has not been reported in the literature in individuals affected with FERMT1-related conditions. For these reasons, this variant has been classified as Pathogenic. This sequence change creates a premature translational stop signal (p.Arg110Glnfs*19) in the FERMT1 gene. It is expected to result in an absent or disrupted protein product. Loss-of-function variants in FERMT1 are known to be pathogenic (PMID: 14962093, 21936020). This variant is not present in population databases (gnomAD no frequency).

Literature cited by the submitters: PubMed 14962093; PubMed 21936020.